The following is an entry in ClinVar:

ClinVar aggregate classification (germline): Uncertain significance (1 of 4 stars; one submission).

Conditions:
Pierson syndrome. Also called: MICROCORIA-CONGENITAL NEPHROTIC SYNDROME. Identifiers: Orphanet 2670, MedGen C1836876, MONDO:0012184, OMIM 609049.
LAMB2-related infantile-onset nephrotic syndrome. Also called: Nephrotic Syndrome, type 5; NEPHROTIC SYNDROME, TYPE 5, WITHOUT OCULAR ABNORMALITIES; NEPHROTIC SYNDROME, TYPE 5, WITH OCULAR ABNORMALITIES. Identifiers: Orphanet 306507, MedGen C3280113, MONDO:0013621, OMIM 614199.

Allele frequency attached by ClinVar (database versions not stated): gnomAD exomes below 0.00001; TOPMed below 0.00001.
gnomAD v4.1: 4 of 1,614,206 alleles (0.00025%); highest among the groups gnomAD compares: Non-Finnish European, 0.000085%; no homozygotes.

Submission:

Labcorp Genetics (formerly Invitae), Labcorp
Classification: Uncertain significance for LAMB2-related infantile-onset nephrotic syndrome; Pierson syndrome. Last evaluated: 2022-04-03. Review status: criteria provided, single submitter. Criteria: Invitae Variant Classification Sherloc (09022015). Collection method: clinical testing. Allele origin: germline.
Comment: This sequence change replaces histidine, which is basic and polar, with aspartic acid, which is acidic and polar, at codon 1018 of the LAMB2 protein (p.His1018Asp). This variant is present in population databases (no rsID available, gnomAD no frequency). This variant has not been reported in the literature in individuals affected with LAMB2-related conditions. Algorithms developed to predict the effect of missense changes on protein structure and function are either unavailable or do not agree on the potential impact of this missense change (SIFT: "Deleterious"; PolyPhen-2: "Benign"; Align-GVGD: "Class C15"). In summary, the available evidence is currently insufficient to determine the role of this variant in disease. Therefore, it has been classified as a Variant of Uncertain Significance.

NM_002292.4(LAMB2):c.3052C>G (p.His1018Asp)

Gene: LAMB2 (laminin subunit beta 2; minus strand). Cytogenetic location: 3p21.31.
Variant type: single nucleotide variant.
Coding change: c.3052C>G on transcript NM_002292.4 (MANE Select); coding-DNA position 3052, C replaced by G.
Protein change: p.His1018Asp; replaces histidine 1018 with aspartic acid.
Molecular consequence: missense variant.
Genome position (GRCh38, 1-based): chr3:49,124,758, G>C on the plus strand (C>G on the coding strand, the complement: LAMB2 is on the minus strand). VCF-style: chr3-49124758-G-C. GRCh37 (hg19) VCF-style: chr3-49162191-G-C.
Other names: short protein forms H1018D.
Identifiers: ClinVar variation 2076909 (VCV002076909.4), dbSNP rs1223289174, ClinGen allele CA352713545.